The following is an entry in ClinVar:

ClinVar aggregate classification (germline): Uncertain significance. Review status: criteria provided, multiple submitters, no conflicts (2 of 4 stars). 2 submissions from 2 submitters: Uncertain significance (2). Last evaluated 2024-09-06.

Conditions:
Arrhythmogenic right ventricular dysplasia 10. Also called: Arrhythmogenic Right Ventricular Dysplasia/Cardiomyopathy10; ARRHYTHMOGENIC RIGHT VENTRICULAR DYSPLASIA, FAMILIAL, 10; Arrhythmogenic right ventricular dysplasia/cardiomyopathy, type 10. Identifiers: MedGen C1857777, MONDO:0012434, OMIM 610193.
Cardiovascular phenotype. Identifiers: MedGen CN230736.

Allele frequency attached by ClinVar (database versions not stated): TOPMed below 0.00001; gnomAD 0.00001; gnomAD exomes 0.00001; ExAC 0.00002.
gnomAD v4.1: 5 of 1,614,098 alleles (0.00031%); highest among the groups gnomAD compares: Admixed American, 0.0083%; no homozygotes.

Submissions (2):

Labcorp Genetics (formerly Invitae), Labcorp
Classification: Uncertain significance for Arrhythmogenic right ventricular dysplasia 10. Last evaluated: 2024-09-06. Review status: criteria provided, single submitter. Criteria: Invitae Variant Classification Sherloc (09022015). Collection method: clinical testing. Allele origin: germline.
Comment: This sequence change replaces glutamic acid, which is acidic and polar, with lysine, which is basic and polar, at codon 582 of the DSG2 protein (p.Glu582Lys). This variant is present in population databases (rs745614134, gnomAD 0.01%). This variant has not been reported in the literature in individuals affected with DSG2-related conditions. ClinVar contains an entry for this variant (Variation ID: 2563305). Invitae Evidence Modeling of protein sequence and biophysical properties (such as structural, functional, and spatial information, amino acid conservation, physicochemical variation, residue mobility, and thermodynamic stability) indicates that this missense variant is not expected to disrupt DSG2 protein function with a negative predictive value of 95%. In summary, the available evidence is currently insufficient to determine the role of this variant in disease. Therefore, it has been classified as a Variant of Uncertain Significance.

Ambry Genetics
Classification: Uncertain significance for Cardiovascular phenotype. Last evaluated: 2023-04-09. Review status: criteria provided, single submitter. Criteria: Ambry Variant Classification Scheme 2023. Collection method: clinical testing. Allele origin: germline.
Comment: The p.E582K variant (also known as c.1744G>A), located in coding exon 12 of the DSG2 gene, results from a G to A substitution at nucleotide position 1744. The glutamic acid at codon 582 is replaced by lysine, an amino acid with similar properties. This amino acid position is conserved. In addition, this alteration is predicted to be tolerated by in silico analysis. Since supporting evidence is limited at this time, the clinical significance of this alteration remains unclear.

NM_001943.5(DSG2):c.1744G>A (p.Glu582Lys)

Gene: DSG2 (desmoglein 2; plus strand). Cytogenetic location: 18q12.1.
Variant type: single nucleotide variant.
Coding change: c.1744G>A on transcript NM_001943.5 (MANE Select); coding-DNA position 1744, G replaced by A.
Protein change: p.Glu582Lys; replaces glutamic acid 582 with lysine.
Molecular consequence: missense variant.
Genome position (GRCh38, 1-based): chr18:31,538,843, G>A. VCF-style: chr18-31538843-G-A. GRCh37 (hg19) VCF-style: chr18-29118806-G-A.
Other names: short protein forms E582K.
Identifiers: ClinVar variation 2563305 (VCV002563305.5), dbSNP rs745614134, ClinGen allele CA043579.